The following is an entry in ClinVar:

NM_206933.4(USH2A):c.60G>T (p.Leu20Phe)

Gene: USH2A (usherin; minus strand). Cytogenetic location: 1q41.
Variant type: single nucleotide variant.
Coding change: c.60G>T on transcript NM_206933.4 (MANE Select); coding-DNA position 60, G replaced by T.
Protein change: p.Leu20Phe; replaces leucine 20 with phenylalanine.
Molecular consequence: missense variant.
Genome position (GRCh38, 1-based): chr1:216,422,277, C>A on the plus strand (G>T on the coding strand, the complement: USH2A is on the minus strand). VCF-style: chr1-216422277-C-A. GRCh37 (hg19) VCF-style: chr1-216595619-C-A.
Other names: c.60G>T, p.Leu20Phe (NM_007123.6); short protein forms L20F.
Identifiers: ClinVar variation 1053191 (VCV001053191.4), dbSNP rs767611127, ClinGen allele CA1396862.
Genomic context (GRCh38, chr1:216,422,277, plus strand): 5'-CAGCCTTGGGAAAAGACCTCGTGACTCAGTCAAGGATATTGAAGCAAAATAGGCAAAGAT[C>A]AACATTTCAATGACCTGAAACAAGAAGCCAGAGCCCAATGAAAGAACTGGGCAATTCATG-3'
Protein context (NP_996816.3, residues 10-30): SGFLFQVIEM[Leu20Phe]IFAYFASISL

ClinVar aggregate classification (germline): Uncertain significance. Review status: criteria provided, multiple submitters, no conflicts (2 of 4 stars). 3 submissions from 3 submitters: Uncertain significance (2). 1 of the submissions does not count toward it. Last evaluated 2024-01-04.

Conditions:
Usher syndrome type 2A. Also called: RETINAL DISEASE IN USHER SYNDROME TYPE IIA, MODIFIER OF; USHER SYNDROME, TYPE IIA. Identifiers: Orphanet 231178, Orphanet 886, MedGen C1848634, MONDO:0010169, OMIM 276901.

Allele frequency attached by ClinVar (database versions not stated): gnomAD 0.00005 and 0.00006; ExAC 0.00006; gnomAD exomes 0.00007; TOPMed 0.00014.
gnomAD v4.1: 34 of 1,613,590 alleles (0.0021%); highest among the groups gnomAD compares: Admixed American, 0.035%; no homozygotes.

Submissions (3):

Blueprint Genetics
Classification: Uncertain significance. Last evaluated: 2024-01-04. Review status: criteria provided, single submitter. Criteria: ACMG Guidelines, 2015. Collection method: clinical testing. Allele origin: germline.

Labcorp Genetics (formerly Invitae), Labcorp
Classification: Uncertain significance. Last evaluated: 2022-07-19. Review status: criteria provided, single submitter. Criteria: Invitae Variant Classification Sherloc (09022015). Collection method: clinical testing. Allele origin: germline.
Comment: This sequence change replaces leucine, which is neutral and non-polar, with phenylalanine, which is neutral and non-polar, at codon 20 of the USH2A protein (p.Leu20Phe). This variant is present in population databases (rs767611127, gnomAD 0.04%). This variant has not been reported in the literature in individuals affected with USH2A-related conditions. ClinVar contains an entry for this variant (Variation ID: 1053191). Algorithms developed to predict the effect of missense changes on protein structure and function output the following: SIFT: "Tolerated"; PolyPhen-2: "Benign"; Align-GVGD: "Class C0". The phenylalanine amino acid residue is found in multiple mammalian species, which suggests that this missense change does not adversely affect protein function. In summary, the available evidence is currently insufficient to determine the role of this variant in disease. Therefore, it has been classified as a Variant of Uncertain Significance.

Natera, Inc.
Classification: Uncertain significance for Usher syndrome type 2A. Last evaluated: 2020-02-21. Review status: no assertion criteria provided. Collection method: clinical testing. Allele origin: germline. Not counted in ClinVar's aggregate classification.